The following is an entry in ClinVar:

NC_000003.11:g.(?_93605147)_(93617433_?)del

Gene: PROS1 (protein S; minus strand). Cytogenetic location: 3q11.1.
Variant type: Deletion.
Identifiers: ClinVar variation 1454860 (VCV001454860.6).

ClinVar aggregate classification (germline): Pathogenic (1 of 4 stars; one submission).

Conditions:
Thrombophilia due to protein S deficiency, autosomal recessive (THPH6). Identifiers: Orphanet 743, MedGen C3281092, MONDO:0013791, OMIM 614514. Disease mechanism: loss of function.

Submission:

Labcorp Genetics (formerly Invitae), Labcorp
Classification: Pathogenic for Thrombophilia due to protein S deficiency, autosomal recessive. Last evaluated: 2023-06-09. Review status: criteria provided, single submitter. Criteria: Invitae Variant Classification Sherloc (09022015). Collection method: clinical testing. Allele origin: germline.
Comment: For these reasons, this variant has been classified as Pathogenic. A similar copy number variant has been observed in individual(s) with Protein S deficiency (PMID: 2521801, 8616098). It has also been observed to segregate with disease in related individuals. This variant is a gross deletion of the genomic region encompassing exon(s) 8-11 of the PROS1 gene. This deletion is out-of-frame, and is expected to create a premature termination codon and result in an absent or disrupted protein product. Loss-of-function variants in PROS1 are known to be pathogenic (PMID: 9241758).

Literature cited by the submitters: PubMed 2521801; PubMed 8616098; PubMed 9241758.